The following is an entry in ClinVar:

NM_002691.4(POLD1):c.1997C>A (p.Ala666Asp)

Gene: POLD1 (DNA polymerase delta 1, catalytic subunit; plus strand). Cytogenetic location: 19q13.33.
Variant type: single nucleotide variant.
Coding change: c.1997C>A on transcript NM_002691.4 (MANE Select); coding-DNA position 1997, C replaced by A.
Protein change: p.Ala666Asp; replaces alanine 666 with aspartic acid.
Molecular consequence: missense variant. On other transcripts: non-coding transcript variant (1).
Genome position (GRCh38, 1-based): chr19:50,409,226, C>A. VCF-style: chr19-50409226-C-A. GRCh37 (hg19) VCF-style: chr19-50912483-C-A.
Other names: c.1997C>A, p.Ala666Asp (NM_001256849.1); c.2075C>A, p.Ala692Asp (NM_001308632.1); short protein forms A666D, A692D.
Identifiers: ClinVar variation 3702874 (VCV003702874.2).
Genomic context (GRCh38, chr19:50,409,226, plus strand): 5'-TTGTGAAGACCTCAGTGCGGAAGGGGCTGCTGCCCCAGATCCTGGAGAACCTGCTCAGTG[C>A]CCGGAAGAGGTGAGCCCTGGAGATCGCCTGCTTGGAGCTCAGACCTGTTGGGGCCTCTGG-3'
Protein context (NP_002682.2, residues 656-676): LPQILENLLS[Ala666Asp]RKRAKAELAK

ClinVar aggregate classification (germline): Uncertain significance (1 of 4 stars; one submission).

Conditions:
POLD1-related polyposis and colorectal cancer syndrome (CRCS10). Also called: Colorectal cancer 10; COLORECTAL CANCER, SUSCEPTIBILITY TO, ON CHROMOSOME 19q; Colorectal cancer, susceptibility to, 10. Identifiers: Orphanet 220460, MedGen C2675481, MONDO:0012953, OMIM 612591.

Submission:

Labcorp Genetics (formerly Invitae), Labcorp
Classification: Uncertain significance for POLD1-related polyposis and colorectal cancer syndrome. Last evaluated: 2025-01-15. Review status: criteria provided, single submitter. Criteria: Invitae Variant Classification Sherloc (09022015). Collection method: clinical testing. Allele origin: germline.
Comment: This sequence change replaces alanine, which is neutral and non-polar, with aspartic acid, which is acidic and polar, at codon 666 of the POLD1 protein (p.Ala666Asp). This variant is not present in population databases (gnomAD no frequency). This variant has not been reported in the literature in individuals affected with POLD1-related conditions. Invitae Evidence Modeling of protein sequence and biophysical properties (such as structural, functional, and spatial information, amino acid conservation, physicochemical variation, residue mobility, and thermodynamic stability) indicates that this missense variant is expected to disrupt POLD1 protein function with a positive predictive value of 80%. In summary, the available evidence is currently insufficient to determine the role of this variant in disease. Therefore, it has been classified as a Variant of Uncertain Significance.